The following is an entry in ClinVar:

ClinVar aggregate classification (germline): Uncertain significance (1 of 4 stars; one submission).

Allele frequency attached by ClinVar (database versions not stated): gnomAD 0.00001.
gnomAD v4.1: 2 of 1,613,716 alleles (0.00012%); highest among the groups gnomAD compares: East Asian, 0.0045%; no homozygotes.

Submission:

CeGaT Center for Human Genetics Tuebingen
Classification: Uncertain significance. Last evaluated: 2022-08-01. Review status: criteria provided, single submitter. Criteria: CeGaT Center For Human Genetics Tuebingen Variant Classification Criteria Version 2. Collection method: clinical testing. Allele origin: germline. Affected: yes. Observed: 1 variant allele.
Comment: CYFIP2: PP2

NM_001037333.3(CYFIP2):c.769C>G (p.Pro257Ala)

Gene: CYFIP2 (cytoplasmic FMR1 interacting protein 2; plus strand). Cytogenetic location: 5q33.3.
Variant type: single nucleotide variant.
Coding change: c.769C>G on transcript NM_001037333.3 (MANE Select); coding-DNA position 769, C replaced by G.
Protein change: p.Pro257Ala; replaces proline 257 with alanine.
Molecular consequence: missense variant.
Genome position (GRCh38, 1-based): chr5:157,304,340, C>G. VCF-style: chr5-157304340-C-G. GRCh37 (hg19) VCF-style: chr5-156731348-C-G.
Other names: c.691C>G, p.Pro231Ala (NM_001291721.2); c.769C>G, p.Pro257Ala (NM_001291722.2, NM_014376.4); short protein forms P231A, P257A.
Identifiers: ClinVar variation 2655992 (VCV002655992.24), dbSNP rs1302467306, ClinGen allele CA361967336.